The following is an entry in ClinVar:

NM_005476.7(GNE):c.1485del (p.Glu494_Trp495insTer)

Gene: GNE (glucosamine (UDP-N-acetyl)-2-epimerase/N-acetylmannosamine kinase; minus strand). Cytogenetic location: 9p13.3.
Variant type: Deletion.
Coding change: c.1485del on transcript NM_005476.7 (MANE Select); coding-DNA position 1485, one base deleted (G; older notation c.1485delG).
Protein change: p.Glu494_Trp495insTer.
Molecular consequence: nonsense. On other transcripts: intron variant (1).
Genome position (GRCh38, 1-based): chr9:36,222,925, C deleted on the plus strand (G on the coding strand, the reverse complement: GNE is on the minus strand); the first of 2 consecutive C bases (chr9:36,222,925-36,222,926); deleting either gives the same sequence. VCF-style (leftmost placement, unchanged base first): chr9-36222924-TC-T. GRCh37 (hg19) VCF-style: chr9-36222921-TC-T.
Other names: c.1578del, p.Glu525_Trp526insTer (NM_001128227.3); c.1155del, p.Glu384_Trp385insTer (NM_001190384.3); c.1308del, p.Glu435_Trp436insTer (NM_001190388.2, NM_001374798.1); c.1332del, p.Glu443_Trp444insTer (NM_001374797.1); c.1411+448del (NM_001190383.3).
Identifiers: ClinVar variation 4081697 (VCV004081697.1).
Genomic context (GRCh38, chr9:36,222,924, plus strand): 5'-TGTCTACCCACACAGGGAGATGCAAAGTGTCAGAAAGGGGGGTCCTAAGGTCCACAGAGT[TC>T]CACTCTTGGATCAGTTTGGTTGAATGCAGCACAATTCCTTCCCGAGGATTTACACGGCCA-3'

ClinVar aggregate classification (germline): Pathogenic (1 of 4 stars; one submission).

Conditions:
GNE myopathy (NM). Also called: IBM 2; Inclusion body myopathy autosomal recessive; Inclusion body myopathy quadriceps sparing; NONAKA DISTAL MYOPATHY; INCLUSION BODY MYOPATHY, HEREDITARY, AUTOSOMAL RECESSIVE; INCLUSION BODY MYOPATHY 2, AUTOSOMAL RECESSIVE. Identifiers: Orphanet 602, MedGen C1853926, MONDO:0011603, OMIM 605820.

Submission:

Myriad Genetics, Inc.
Classification: Pathogenic for GNE myopathy. Last evaluated: 2025-06-11. Review status: criteria provided, single submitter. Criteria: Myriad Autosomal Dominant, Autosomal Recessive and X-Linked Classification Criteria (2023). Collection method: clinical testing. Allele origin: unknown.
Comment: NM_001128227.2(GNE):c.1578delG(W526*) is a nonsense variant classified as pathogenic in the context of GNE myopathy. W526* has not been observed in cases with relevant disease. Relevant functional assessments of this variant are not available in the literature. W526* has not been observed in referenced population frequency databases. In summary, NM_001128227.2(GNE):c.1578delG(W526*) is a nonsense variant in a gene where loss of function is a known mechanism of disease and is predicted to disrupt protein function. Please note: this variant was assessed in the context of healthy population screening.